The following is an entry in ClinVar:

NM_000051.4(ATM):c.1171C>G (p.Leu391Val)

Gene: ATM (ATM serine/threonine kinase; plus strand). Cytogenetic location: 11q22.3.
Variant type: single nucleotide variant.
Coding change: c.1171C>G on transcript NM_000051.4 (MANE Select); coding-DNA position 1171, C replaced by G.
Protein change: p.Leu391Val; replaces leucine 391 with valine.
Molecular consequence: missense variant.
Genome position (GRCh38, 1-based): chr11:108,249,038, C>G. VCF-style: chr11-108249038-C-G. GRCh37 (hg19) VCF-style: chr11-108119765-C-G.
Other names: c.1171C>G, p.Leu391Val (NM_001351834.2); short protein forms L391V.
Identifiers: ClinVar variation 3684070 (VCV003684070.2).

ClinVar aggregate classification (germline): Uncertain significance (1 of 4 stars; one submission).

Conditions:
Ataxia-telangiectasia syndrome (AT). Also called: Ataxia telangiectasia (A-T); LOUIS-BAR SYNDROME; Cerebello-oculocutaneous telangiectasia; Immunodeficiency with ataxia telangiectasia; Ataxia-telangiectasia, complementation group E; Ataxia-telangiectasia. Identifiers: Orphanet 100, MedGen C0004135, MONDO:0008840, OMIM 208900.

gnomAD v4.1: 1 of 1,613,856 alleles (0.000062%); highest among the groups gnomAD compares: South Asian, 0.0011%; no homozygotes.

Submission:

Labcorp Genetics (formerly Invitae), Labcorp
Classification: Uncertain significance for Ataxia-telangiectasia syndrome. Last evaluated: 2024-07-31. Review status: criteria provided, single submitter. Criteria: Invitae Variant Classification Sherloc (09022015). Collection method: clinical testing. Allele origin: germline.
Comment: This sequence change replaces leucine, which is neutral and non-polar, with valine, which is neutral and non-polar, at codon 391 of the ATM protein (p.Leu391Val). This variant is not present in population databases (gnomAD no frequency). This variant has not been reported in the literature in individuals affected with ATM-related conditions. An algorithm developed to predict the effect of missense changes on protein structure and function outputs the following: PolyPhen-2: "Benign". The valine amino acid residue is found in multiple mammalian species, which suggests that this missense change does not adversely affect protein function. In summary, the available evidence is currently insufficient to determine the role of this variant in disease. Therefore, it has been classified as a Variant of Uncertain Significance.